The following is an entry in ClinVar:

NM_001317778.2(SFTPC):c.524_528dup (p.Met177fs)

Gene: SFTPC (surfactant protein C; plus strand). Cytogenetic location: 8p21.3.
Variant type: Duplication.
Coding change: c.524_528dup on transcript NM_001317778.2 (MANE Select); coding-DNA positions 524 to 528, 5 bases duplicated (TGGGC; older notation c.524_528dupTGGGC).
Protein change: p.Met177fs; shifts the reading frame from methionine 177.
Molecular consequence: frameshift variant.
Genome position (GRCh38, 1-based): chr8:22,163,989-22,163,993, TGGGC duplicated; duplicating any 5 consecutive bases within chr8:22,163,988-22,163,993 gives the same sequence; the c. name uses the placement nearest the transcript's 3' end. VCF-style (leftmost placement, unchanged base first): chr8-22163987-C-CCTGGG. GRCh37 (hg19) VCF-style: chr8-22021500-C-CCTGGG.
Other names: c.542_546dup, p.Met183fs (NM_001385655.1, NM_003018.4, NM_001172410.2 and 2 more transcripts); c.524_528dup, p.Met177fs (NM_001385656.1, NM_001385657.1, NM_001385658.1 and 3 more transcripts); c.383_387dup, p.Met130fs (NM_001385660.1, NM_001317779.2); short protein forms M177fs, M130fs, M183fs.
Identifiers: ClinVar variation 2859576 (VCV002859576.3), dbSNP rs2538948945, ClinGen allele CA2739279125.

ClinVar aggregate classification (germline): Uncertain significance (1 of 4 stars; one submission).

Submission:

Labcorp Genetics (formerly Invitae), Labcorp
Classification: Uncertain significance. Last evaluated: 2023-04-26. Review status: criteria provided, single submitter. Criteria: Invitae Variant Classification Sherloc (09022015). Collection method: clinical testing. Allele origin: germline.
Comment: In summary, the available evidence is currently insufficient to determine the role of this variant in disease. Therefore, it has been classified as a Variant of Uncertain Significance. Algorithms developed to predict the effect of sequence changes on RNA splicing suggest that this variant may disrupt the consensus splice site. This variant has not been reported in the literature in individuals affected with SFTPC-related conditions. This variant is not present in population databases (gnomAD no frequency). This sequence change creates a premature translational stop signal (p.Met183Trpfs*5) in the SFTPC gene. It is expected to result in an absent or disrupted protein product. However, the current clinical and genetic evidence is not sufficient to establish whether loss-of-function variants in SFTPC cause disease.